The following is an entry in ClinVar:

ClinVar aggregate classification (germline): Pathogenic (1 of 4 stars; one submission).

Submission:

Labcorp Genetics (formerly Invitae), Labcorp
Classification: Pathogenic. Last evaluated: 2022-11-05. Review status: criteria provided, single submitter. Criteria: Invitae Variant Classification Sherloc (09022015). Collection method: clinical testing. Allele origin: germline.
Comment: This sequence change affects a donor splice site in intron 3 of the HJV gene. While this variant is not anticipated to result in nonsense mediated decay, it likely alters RNA splicing and results in a disrupted protein product. For these reasons, this variant has been classified as Pathogenic. This variant disrupts a region of the HJV protein in which other variant(s) (p.Ala343Profs*24, p.Gly336*, p.Arg385*, p.Arg326*) have been determined to be pathogenic (PMID: 14982873, 19342478, 30195625). This suggests that this is a clinically significant region of the protein, and that variants that disrupt it are likely to be disease-causing. Variants that disrupt the consensus splice site are a relatively common cause of aberrant splicing (PMID: 17576681, 9536098). Algorithms developed to predict the effect of sequence changes on RNA splicing suggest that this variant may disrupt the consensus splice site. This variant has not been reported in the literature in individuals affected with HJV-related conditions. This variant is not present in population databases (gnomAD no frequency).

Literature cited by the submitters: PubMed 14982873; PubMed 19342478; PubMed 30195625; PubMed 17576681; PubMed 9536098.

NM_213653.4(HJV):c.657+1G>C

Gene: HJV (hemojuvelin BMP co-receptor; minus strand). Cytogenetic location: 1q21.1.
Variant type: single nucleotide variant.
Coding change: c.657+1G>C on transcript NM_213653.4 (MANE Select); the canonical splice donor site of the intron after coding-DNA position 657, G replaced by C.
Molecular consequence: splice donor variant. On other transcripts: intron variant (3).
Genome position (GRCh38, 1-based): chr1:146,019,174, C>G on the plus strand (G>C on the coding strand, the complement: HJV is on the minus strand). VCF-style: chr1-146019174-C-G. GRCh37 (hg19) VCF-style: chr1-145415839-G-C.
Other names: c.318+1G>C (NM_145277.5); c.-21-474G>C (NM_001316767.2, NM_213652.4, NM_202004.4); c.657+1G>C (NM_001379352.1).
Identifiers: ClinVar variation 2093487 (VCV002093487.4), dbSNP rs2525749949, ClinGen allele CA342138493.